The following is an entry in ClinVar:

ClinVar aggregate classification (germline): Benign/Likely benign. Review status: criteria provided, multiple submitters, no conflicts (2 of 4 stars). 4 submissions from 4 submitters: Benign (1); Likely benign (2). 1 of the submissions does not count toward it. Last evaluated 2025-11-03.

Conditions:
Hereditary leiomyomatosis and renal cell cancer. Also called: FH tumor predisposition syndrome; Reed syndrome; Multiple cutaneous and uterine leiomyomatosis; Cutaneous leiomyomata with uterine leiomyomata; Leiomyoma, hereditary multiple, of skin; Multiple cutaneous and uterine leiomyomata. Identifiers: Orphanet 523, MedGen C1708350, MONDO:0007888, OMIM 150800, HP:0007437. Disease mechanism: loss of function.
Hereditary cancer-predisposing syndrome. Also called: Hereditary neoplastic syndrome; Neoplastic Syndromes, Hereditary; Tumor predisposition; Hereditary Cancer Syndrome. Identifiers: Orphanet 140162, MedGen C0027672, MeSH D009386, MONDO:0015356.
FH-related disorder. Also called: FH-related condition; FH-related disorders.

Allele frequency attached by ClinVar (database versions not stated): TOPMed below 0.00001.

Submissions (4):

Labcorp Genetics (formerly Invitae), Labcorp
Classification: Likely benign. Last evaluated: 2025-11-03. Review status: criteria provided, single submitter. Criteria: Invitae Variant Classification Sherloc (09022015). Collection method: clinical testing. Allele origin: germline.

Myriad Genetics, Inc.
Classification: Benign for Hereditary leiomyomatosis and renal cell cancer. Last evaluated: 2024-10-17. Review status: criteria provided, single submitter. Criteria: Myriad Autosomal Dominant, Autosomal Recessive and X-Linked Classification Criteria (2023). Collection method: clinical testing. Allele origin: unknown.
Comment: This variant is considered benign. This variant is a silent/synonymous amino acid change and it is not expected to impact splicing.

Ambry Genetics
Classification: Likely benign for Hereditary cancer-predisposing syndrome. Last evaluated: 2020-01-13. Review status: criteria provided, single submitter. Criteria: Ambry Variant Classification Scheme 2023. Collection method: clinical testing. Allele origin: germline.

PreventionGenetics, part of Exact Sciences
Classification: Likely benign for FH-related condition. Last evaluated: 2023-12-15. Review status: no assertion criteria provided. Collection method: clinical testing. Allele origin: germline. Not counted in ClinVar's aggregate classification.
Comment: This variant is classified as likely benign based on ACMG/AMP sequence variant interpretation guidelines (Richards et al. 2015 PMID: 25741868, with internal and published modifications).

NM_000143.4(FH):c.183G>A (p.Lys61=)

Gene: FH (fumarate hydratase; minus strand). Cytogenetic location: 1q43.
Variant type: single nucleotide variant.
Coding change: c.183G>A on transcript NM_000143.4 (MANE Select); coding-DNA position 183, G replaced by A.
Protein change: p.Lys61=; no amino-acid change (lysine 61 retained).
Molecular consequence: synonymous variant.
Genome position (GRCh38, 1-based): chr1:241,517,266, C>T on the plus strand (G>A on the coding strand, the complement: FH is on the minus strand). VCF-style: chr1-241517266-C-T. GRCh37 (hg19) VCF-style: chr1-241680566-C-T.
Identifiers: ClinVar variation 1578173 (VCV001578173.13), dbSNP rs766840026, ClinGen allele CA424076604.